The following is an entry in ClinVar:

ClinVar aggregate classification (germline): Uncertain significance (1 of 4 stars; one submission).

Submission:

Women's Health and Genetics/Laboratory Corporation of America, LabCorp
Classification: Uncertain significance. Last evaluated: 2024-06-20. Review status: criteria provided, single submitter. Criteria: LabCorp Variant Classification Summary - May 2015. Collection method: clinical testing. Allele origin: germline.
Comment: Variant summary: OTOF c.2858T>A (p.Val953Asp) results in a non-conservative amino acid change in the encoded protein sequence. Three of five in-silico tools predict a benign effect of the variant on protein function. The variant was absent in 246428 control chromosomes. The available data on variant occurrences in the general population are insufficient to allow any conclusion about variant significance. To our knowledge, no occurrence of c.2858T>A in individuals affected with Nonsyndromic Hearing Loss And Deafness, Type 9 and no experimental evidence demonstrating its impact on protein function have been reported. No submitters have cited clinical-significance assessments for this variant to ClinVar. Based on the evidence outlined above, the variant was classified as uncertain significance.

NM_194248.3(OTOF):c.2858T>A (p.Val953Asp)

Gene: OTOF (otoferlin; minus strand). Cytogenetic location: 2p23.3.
Variant type: single nucleotide variant.
Coding change: c.2858T>A on transcript NM_194248.3 (MANE Select); coding-DNA position 2858, T replaced by A.
Protein change: p.Val953Asp; replaces valine 953 with aspartic acid.
Molecular consequence: missense variant.
Genome position (GRCh38, 1-based): chr2:26,476,136, A>T on the plus strand (T>A on the coding strand, the complement: OTOF is on the minus strand). VCF-style: chr2-26476136-A-T. GRCh37 (hg19) VCF-style: chr2-26699004-A-T.
Other names: c.2858T>A, p.Val953Asp (NM_001287489.2); c.617T>A, p.Val206Asp (NM_004802.4, NM_194323.3); c.788T>A, p.Val263Asp (NM_194322.3); short protein forms V206D, V263D, V953D.
Identifiers: ClinVar variation 3339907 (VCV003339907.1).
Genomic context (GRCh38, chr2:26,476,136, plus strand): 5'-GCCCCTCCGGCCCCCTCCCAGGTGAGGCTTCGAGTGAGGGGTCCTCACTCACTGGTGTAG[A>T]CCAGGCTGACGGGTGGGAAGGCATGCAGGCCCAGGCCCTGGGCTGCCTTGACCTCCTGGA-3'
Protein context (NP_919224.1, residues 943-963): GLHAFPPVSL[Val953Asp]YTKKQAFQLR